The following is an entry in ClinVar:

ClinVar aggregate classification (germline): Pathogenic (1 of 4 stars; one submission).

Submission:

GeneDx
Classification: Pathogenic. Last evaluated: 2017-10-03. Review status: criteria provided, single submitter. Criteria: GeneDx Variant Classification (06012015). Collection method: clinical testing. Allele origin: germline. Affected: yes.
Comment: The c.1652dupA variant in the ZMYND11 gene has not been reported previously as a pathogenic variant nor as a benign variant, to our knowledge. The c.1652dupA variant causes a frameshift starting with codon Glutamine 552, changes this amino acid to an Alanine residue, and creates a premature Stop codon at position 16 of the new reading frame, denoted p.Gln552AlafsX16. This variant is predicted to cause loss of normal protein function through protein truncation. The c.1652dupA variant is not observed in large population cohorts (Lek et al., 2016). We interpret c.1652dupA as a pathogenic variant.

NM_001370100.5(ZMYND11):c.1652dup (p.Gln552fs)

Genes: ZMYND11 (zinc finger MYND-type containing 11; plus strand), LOC126860802 (BRD4-independent group 4 enhancer GRCh37_chr10:294268-295467; plus strand). Cytogenetic location: 10p15.3.
Variant type: Duplication.
Coding change: c.1652dup on transcript NM_001370100.5 (MANE Select); coding-DNA position 1652, one base duplicated (A; older notation c.1652dupA).
Protein change: p.Gln552fs; shifts the reading frame from glutamine 552.
Molecular consequence: frameshift variant. On other transcripts: non-coding transcript variant (1).
Genome position (GRCh38, 1-based): chr10:249,054, A duplicated; the last of 2 consecutive A bases (chr10:249,053-249,054); duplicating either gives the same sequence. VCF-style (leftmost placement, unchanged base first): chr10-249052-C-CA. GRCh37 (hg19) VCF-style: chr10-294992-C-CA.
Other names: c.1490dup, p.Gln498fs (NM_001202464.3, NM_001202467.1, NM_001370103.2 and 6 more transcripts); c.1397dup, p.Gln467fs (NM_001202465.3, NM_001370110.2); c.1487dup, p.Gln497fs (NM_001202466.3, NM_001370111.2); c.1652dup, p.Gln552fs (NM_001202468.1, NM_001370097.3, NM_001370098.2 and 4 more transcripts); c.1601dup, p.Gln535fs (NM_001330057.3, NM_001370112.2); c.1559dup, p.Gln521fs (NM_001370113.2, NM_001370114.2); c.1649dup, p.Gln551fs (NM_001370115.2, NM_212479.4); c.1586dup, p.Gln530fs (NM_001370116.2); and 9 more; short protein forms Q467fs, Q498fs, Q529fs, Q530fs, Q395fs, Q458fs, Q476fs, Q433fs.
Identifiers: ClinVar variation 452415 (VCV000452415.2), dbSNP rs1554793896, ClinGen allele CA658657952.